The following is an entry in ClinVar:

NM_001369268.1(ACAN):c.7226C>T (p.Ala2409Val)

Gene: ACAN (aggrecan; plus strand). Cytogenetic location: 15q26.1.
Variant type: single nucleotide variant.
Coding change: c.7226C>T on transcript NM_001369268.1 (MANE Select); coding-DNA position 7226, C replaced by T.
Protein change: p.Ala2409Val; replaces alanine 2409 with valine.
Molecular consequence: missense variant.
Genome position (GRCh38, 1-based): chr15:88,872,009, C>T. VCF-style: chr15-88872009-C-T. GRCh37 (hg19) VCF-style: chr15-89415240-C-T.
Other names: c.6998C>T, p.Ala2333Val (NM_001135.4, NM_001411096.1); c.7112C>T, p.Ala2371Val (NM_001411097.1, NM_013227.4); short protein forms A2333V, A2371V, A2409V.
Identifiers: ClinVar variation 4056913 (VCV004056913.1).

ClinVar aggregate classification (germline): Uncertain significance (1 of 4 stars; one submission).

Submission:

GeneDx
Classification: Uncertain significance. Last evaluated: 2025-01-03. Review status: criteria provided, single submitter. Criteria: GeneDx Variant Classification Process June 2021. Collection method: clinical testing. Allele origin: germline. Affected: yes.
Comment: Not observed at significant frequency in large population cohorts (gnomAD); In silico analysis supports that this missense variant has a deleterious effect on protein structure/function; Has not been previously published as pathogenic or benign to our knowledge